The following is an entry in ClinVar:

ClinVar aggregate classification (germline): Uncertain significance. Review status: criteria provided, multiple submitters, no conflicts (2 of 4 stars). 2 submissions from 2 submitters: Uncertain significance (2). Last evaluated 2021-12-18.

Conditions:
Hereditary cancer-predisposing syndrome. Also called: Tumor predisposition; Neoplastic Syndromes, Hereditary; Hereditary Cancer Syndrome; Hereditary neoplastic syndrome. Identifiers: Orphanet 140162, MedGen C0027672, MeSH D009386, MONDO:0015356.

Submissions (2):

Ambry Genetics
Classification: Uncertain significance for Hereditary cancer-predisposing syndrome. Last evaluated: 2021-12-18. Review status: criteria provided, single submitter. Criteria: Ambry Variant Classification Scheme 2023. Collection method: clinical testing. Allele origin: germline.
Comment: The p.L779V variant (also known as c.2335C>G), located in coding exon 21 of the POLE gene, results from a C to G substitution at nucleotide position 2335. The leucine at codon 779 is replaced by valine, an amino acid with highly similar properties. This amino acid position is conserved. In addition, this alteration is predicted to be tolerated by in silico analysis. Since supporting evidence is limited at this time, the clinical significance of this alteration remains unclear.

Quest Diagnostics Nichols Institute San Juan Capistrano
Classification: Uncertain significance. Last evaluated: 2018-09-11. Review status: criteria provided, single submitter. Criteria: Quest Diagnostics criteria. Collection method: clinical testing. Allele origin: germline.

NM_006231.4(POLE):c.2335C>G (p.Leu779Val)

Gene: POLE (DNA polymerase epsilon, catalytic subunit; minus strand). Cytogenetic location: 12q24.33.
Variant type: single nucleotide variant.
Coding change: c.2335C>G on transcript NM_006231.4 (MANE Select); coding-DNA position 2335, C replaced by G.
Protein change: p.Leu779Val; replaces leucine 779 with valine.
Molecular consequence: missense variant.
Genome position (GRCh38, 1-based): chr12:132,665,435, G>C on the plus strand (C>G on the coding strand, the complement: POLE is on the minus strand). VCF-style: chr12-132665435-G-C. GRCh37 (hg19) VCF-style: chr12-133242021-G-C.
Other names: short protein forms L779V.
Identifiers: ClinVar variation 801259 (VCV000801259.4), dbSNP rs747478766, ClinGen allele CA387397947.